The following is an entry in ClinVar:

ClinVar aggregate classification (germline): Uncertain significance (1 of 4 stars; one submission).

Conditions:
Cholestanol storage disease (CTX). Also called: CEREBRAL CHOLESTERINOSIS; Cerebrotendinous Xanthomatosis; CTX: Cerebrotendinous xanthomatosis. Identifiers: Orphanet 909, MedGen C0238052, MONDO:0008948, OMIM 213700.

gnomAD v4.1: 1 of 1,614,164 alleles (0.000062%); highest among the groups gnomAD compares: Non-Finnish European, 0.000085%; no homozygotes.

Submission:

Labcorp Genetics (formerly Invitae), Labcorp
Classification: Uncertain significance for Cholestanol storage disease. Last evaluated: 2022-10-17. Review status: criteria provided, single submitter. Criteria: Invitae Variant Classification Sherloc (09022015). Collection method: clinical testing. Allele origin: germline.
Comment: In summary, the available evidence is currently insufficient to determine the role of this variant in disease. Therefore, it has been classified as a Variant of Uncertain Significance. Advanced modeling of protein sequence and biophysical properties (such as structural, functional, and spatial information, amino acid conservation, physicochemical variation, residue mobility, and thermodynamic stability) performed at Invitae indicates that this missense variant is not expected to disrupt CYP27A1 protein function. This variant has not been reported in the literature in individuals affected with CYP27A1-related conditions. This variant is not present in population databases (gnomAD no frequency). This sequence change replaces arginine, which is basic and polar, with leucine, which is neutral and non-polar, at codon 188 of the CYP27A1 protein (p.Arg188Leu).

NM_000784.4(CYP27A1):c.563G>T (p.Arg188Leu)

Gene: CYP27A1 (cytochrome P450 family 27 subfamily A member 1; plus strand). Cytogenetic location: 2q35.
Variant type: single nucleotide variant.
Coding change: c.563G>T on transcript NM_000784.4 (MANE Select); coding-DNA position 563, G replaced by T.
Protein change: p.Arg188Leu; replaces arginine 188 with leucine.
Molecular consequence: missense variant.
Genome position (GRCh38, 1-based): chr2:218,812,338, G>T. VCF-style: chr2-218812338-G-T. GRCh37 (hg19) VCF-style: chr2-219677061-G-T.
Other names: short protein forms R188L.
Identifiers: ClinVar variation 2130112 (VCV002130112.4), dbSNP rs754310499, ClinGen allele CA350585213.